The following is an entry in ClinVar:

NM_017433.5(MYO3A):c.4010A>T (p.Glu1337Val)

Gene: MYO3A (myosin IIIA; plus strand). Cytogenetic location: 10p12.1.
Variant type: single nucleotide variant.
Coding change: c.4010A>T on transcript NM_017433.5 (MANE Select); coding-DNA position 4010, A replaced by T.
Protein change: p.Glu1337Val; replaces glutamic acid 1337 with valine.
Molecular consequence: missense variant.
Genome position (GRCh38, 1-based): chr10:26,174,274, A>T. VCF-style: chr10-26174274-A-T. GRCh37 (hg19) VCF-style: chr10-26463203-A-T.
Other names: short protein forms E1337V.
Identifiers: ClinVar variation 1419457 (VCV001419457.8), dbSNP rs748147609, ClinGen allele CA5445364.

ClinVar aggregate classification (germline): Uncertain significance (1 of 4 stars; one submission).

Allele frequency attached by ClinVar (database versions not stated): gnomAD exomes below 0.00001 and 0.00001; TOPMed below 0.00001; ExAC 0.00001.
gnomAD v4.1: 5 of 1,614,028 alleles (0.00031%); highest among the groups gnomAD compares: African/African-American, 0.0013%; no homozygotes.

Submission:

Labcorp Genetics (formerly Invitae), Labcorp
Classification: Uncertain significance. Last evaluated: 2022-04-08. Review status: criteria provided, single submitter. Criteria: Invitae Variant Classification Sherloc (09022015). Collection method: clinical testing. Allele origin: germline.
Comment: In summary, the available evidence is currently insufficient to determine the role of this variant in disease. Therefore, it has been classified as a Variant of Uncertain Significance. Algorithms developed to predict the effect of missense changes on protein structure and function (SIFT, PolyPhen-2, Align-GVGD) all suggest that this variant is likely to be tolerated. This variant has not been reported in the literature in individuals affected with MYO3A-related conditions. This variant is present in population databases (rs748147609, gnomAD 0.01%). This sequence change replaces glutamic acid, which is acidic and polar, with valine, which is neutral and non-polar, at codon 1337 of the MYO3A protein (p.Glu1337Val).